The following is an entry in ClinVar:

NM_000492.4(CFTR):c.3290G>A (p.Arg1097His)

Genes: CFTR (CF transmembrane conductance regulator; plus strand), CFTR-AS2 (CFTR antisense RNA 2; minus strand), LOC111674472 (DNase I hypersensitive sites in introns 16 and 17a of CFTR; plus strand). Cytogenetic location: 7q31.2.
Variant type: single nucleotide variant.
Coding change: c.3290G>A on transcript NM_000492.4 (MANE Select); coding-DNA position 3290, G replaced by A.
Protein change: p.Arg1097His; replaces arginine 1097 with histidine.
Molecular consequence: missense variant.
Genome position (GRCh38, 1-based): chr7:117,611,731, G>A. VCF-style: chr7-117611731-G-A. GRCh37 (hg19) VCF-style: chr7-117251785-G-A.
Other names: short protein forms R1097H.
Identifiers: ClinVar variation 4687106 (VCV004687106.2).

ClinVar aggregate classification (germline): Uncertain significance. Review status: criteria provided, multiple submitters, no conflicts (2 of 4 stars). 2 submissions from 2 submitters: Uncertain significance (2). Last evaluated 2026-01-28.

Conditions:
Nasal polyposis. Identifiers: MedGen C0027430, MONDO:0006314, HP:0100582.

gnomAD v4.1: 13 of 1,613,284 alleles (0.00081%); highest among the groups gnomAD compares: South Asian, 0.0022%; no homozygotes.

Submissions (2):

Clinical Genetics Laboratory, Skane University Hospital Lund
Classification: Uncertain significance for Nasal polyposis. Last evaluated: 2026-01-28. Review status: criteria provided, single submitter. Criteria: ACMG Guidelines, 2015. Collection method: clinical testing. Allele origin: germline. Affected: yes.
Comment: ACMG criteria used: PM2, PP3

Blueprint Genetics
Classification: Uncertain significance. Last evaluated: 2023-02-09. Review status: criteria provided, single submitter. Criteria: ACMG Guidelines, 2015. Collection method: clinical testing. Allele origin: germline.